The following is an entry in ClinVar:

NM_001352754.2(ARMC9):c.395T>G (p.Leu132Arg)

Gene: ARMC9 (armadillo repeat containing 9; plus strand). Cytogenetic location: 2q37.1.
Variant type: single nucleotide variant.
Coding change: c.395T>G on transcript NM_001352754.2 (MANE Select); coding-DNA position 395, T replaced by G.
Protein change: p.Leu132Arg; replaces leucine 132 with arginine.
Molecular consequence: missense variant. On other transcripts: non-coding transcript variant (1).
Genome position (GRCh38, 1-based): chr2:231,216,684, T>G. VCF-style: chr2-231216684-T-G. GRCh37 (hg19) VCF-style: chr2-232081397-T-G.
Other names: c.395T>G, p.Leu132Arg (NM_001271466.4, NM_001291656.2, NM_001352755.2 and 5 more transcripts); short protein forms L132R.
Identifiers: ClinVar variation 1018114 (VCV001018114.7), dbSNP rs747685163, ClinGen allele CA350946963.

ClinVar aggregate classification (germline): Uncertain significance (1 of 4 stars; one submission).

Submission:

Labcorp Genetics (formerly Invitae), Labcorp
Classification: Uncertain significance. Last evaluated: 2020-04-09. Review status: criteria provided, single submitter. Criteria: Invitae Variant Classification Sherloc (09022015). Collection method: clinical testing. Allele origin: germline.
Comment: Experimental studies and prediction algorithms are not available or were not evaluated, and the functional significance of this variant is currently unknown. In summary, the available evidence is currently insufficient to determine the role of this variant in disease. Therefore, it has been classified as a Variant of Uncertain Significance. This variant has not been reported in the literature in individuals with ARMC9-related conditions. This variant is not present in population databases (ExAC no frequency). This sequence change replaces leucine with arginine at codon 132 of the ARMC9 protein (p.Leu132Arg). The leucine residue is moderately conserved and there is a moderate physicochemical difference between leucine and arginine.